The following is an entry in ClinVar:

ClinVar aggregate classification (germline): Uncertain significance (1 of 4 stars; one submission).

Conditions:
Cardiovascular phenotype. Identifiers: MedGen CN230736.

Allele frequency attached by ClinVar (database versions not stated): gnomAD exomes below 0.00001.
gnomAD v4.1: 3 of 1,608,298 alleles (0.00019%); highest among the groups gnomAD compares: African/African-American, 0.0013%; no homozygotes.

Submission:

Ambry Genetics
Classification: Uncertain significance for Cardiovascular phenotype. Last evaluated: 2023-02-20. Review status: criteria provided, single submitter. Criteria: Ambry Variant Classification Scheme 2023. Collection method: clinical testing. Allele origin: germline.
Comment: The p.R676H variant (also known as c.2027G>A), located in coding exon 12 of the SOS2 gene, results from a G to A substitution at nucleotide position 2027. The arginine at codon 676 is replaced by histidine, an amino acid with highly similar properties. This amino acid position is conserved. In addition, the in silico prediction for this alteration is inconclusive. Since supporting evidence is limited at this time, the clinical significance of this alteration remains unclear.

NM_006939.4(SOS2):c.2027G>A (p.Arg676His)

Gene: SOS2 (SOS Ras/Rho guanine nucleotide exchange factor 2; minus strand). Cytogenetic location: 14q21.3.
Variant type: single nucleotide variant.
Coding change: c.2027G>A on transcript NM_006939.4 (MANE Select); coding-DNA position 2027, G replaced by A.
Protein change: p.Arg676His; replaces arginine 676 with histidine.
Molecular consequence: missense variant.
Genome position (GRCh38, 1-based): chr14:50,157,029, C>T on the plus strand (G>A on the coding strand, the complement: SOS2 is on the minus strand). VCF-style: chr14-50157029-C-T. GRCh37 (hg19) VCF-style: chr14-50623747-C-T.
Other names: c.1928G>A, p.Arg643His (NM_001411020.1); short protein forms R643H, R676H.
Identifiers: ClinVar variation 2448252 (VCV002448252.2), dbSNP rs1229932733, ClinGen allele CA389644403.
Genomic context (GRCh38, chr14:50,157,029, plus strand): 5'-ATATATATATAAAAAATATTCAAGCCAAACCTAAGTTGTACTGGTTGGACATATTCCTTG[C>T]GAAATCTTTTAAGGTCTGCACTGATTGGCTGCTCGCCTTTCTCTATTGCCAATTTGTCTG-3'
Protein context (NP_008870.2, residues 666-686): QPISADLKRF[Arg676His]KEYVQPVQLR